The following is an entry in ClinVar:

ClinVar aggregate classification (germline): Uncertain significance (1 of 4 stars; one submission).

Conditions:
Shprintzen-Goldberg syndrome (SGS). Also called: Marfanoid disorder with craniosynostosis type 1; Marfanoid craniosynostosis syndrome; Shprintzen-Goldberg marfanoid syndrome; SHPRINTZEN-GOLDBERG CRANIOSYNOSTOSIS SYNDROME; CRANIOSYNOSTOSIS WITH ARACHNODACTYLY AND ABDOMINAL HERNIAS. Identifiers: Orphanet 2462, MedGen C1321551, MONDO:0008426, OMIM 182212.

Submission:

Labcorp Genetics (formerly Invitae), Labcorp
Classification: Uncertain significance for Shprintzen-Goldberg syndrome. Last evaluated: 2025-06-12. Review status: criteria provided, single submitter. Criteria: Invitae Variant Classification Sherloc (09022015). Collection method: clinical testing. Allele origin: germline.
Comment: This sequence change replaces alanine, which is neutral and non-polar, with asparagine, which is neutral and polar, at codon 67 of the SKI protein (p.Ala67Asn). This variant is present in population databases (no rsID available, gnomAD 0.001%). This variant has not been reported in the literature in individuals affected with SKI-related conditions. ClinVar contains an entry for this variant (Variation ID: 2140029). An algorithm developed to predict the effect of missense changes on protein structure and function (PolyPhen-2) suggests that this variant is likely to be tolerated. In summary, the available evidence is currently insufficient to determine the role of this variant in disease. Therefore, it has been classified as a Variant of Uncertain Significance.

NM_003036.4(SKI):c.199_200delinsAA (p.Ala67Asn)

Gene: SKI (SKI proto-oncogene; plus strand). Cytogenetic location: 1p36.33.
Variant type: Indel.
Coding change: c.199_200delinsAA on transcript NM_003036.4 (MANE Select); coding-DNA positions 199 to 200, GC replaced by AA.
Protein change: p.Ala67Asn; replaces alanine 67 with asparagine.
Molecular consequence: missense variant.
Genome position (GRCh38, 1-based): chr1:2,228,965-2,228,966, GC replaced by AA. VCF-style: chr1-2228965-GC-AA. GRCh37 (hg19) VCF-style: chr1-2160404-GC-AA.
Other names: short protein forms A67N.
Identifiers: ClinVar variation 2140029 (VCV002140029.4), dbSNP rs2527576290, ClinGen allele CA2573334494.